The following is an entry in ClinVar:

NM_004187.5(KDM5C):c.2919G>A (p.Leu973=)

Gene: KDM5C (lysine demethylase 5C; minus strand). Cytogenetic location: Xp11.22.
Variant type: single nucleotide variant.
Coding change: c.2919G>A on transcript NM_004187.5 (MANE Select); coding-DNA position 2919, G replaced by A.
Protein change: p.Leu973=; no amino-acid change (leucine 973 retained).
Molecular consequence: synonymous variant. On other transcripts: non-coding transcript variant (3).
Genome position (GRCh38, 1-based): chrX:53,196,748, C>T on the plus strand (G>A on the coding strand, the complement: KDM5C is on the minus strand). VCF-style: chrX-53196748-C-T. GRCh37 (hg19) VCF-style: chrX-53225930-C-T.
Other names: c.2718G>A, p.Leu906= (NM_001146702.2); c.2916G>A, p.Leu972= (NM_001282622.3, NM_001353979.2, NM_001353982.2); c.2919G>A, p.Leu973= (NM_001353978.3, NM_001353981.2, NM_001353984.2).
Identifiers: ClinVar variation 1107620 (VCV001107620.37), dbSNP rs1934884363, ClinGen allele CA516424301.

ClinVar aggregate classification (germline): Likely benign. Review status: criteria provided, multiple submitters, no conflicts (2 of 4 stars). 2 submissions from 2 submitters: Likely benign (2). Last evaluated 2022-11-01.

Conditions:
Spastic paraplegia. Identifiers: MedGen C0037772, HP:0001258.

Allele frequency attached by ClinVar (database versions not stated): gnomAD exomes 0.00001.
gnomAD v4.1: 7 of 1,212,373 alleles (0.00058%); highest among the groups gnomAD compares: Non-Finnish European, 0.00078%; no homozygotes.

Submissions (2):

CeGaT Center for Human Genetics Tuebingen
Classification: Likely benign. Last evaluated: 2022-11-01. Review status: criteria provided, single submitter. Criteria: CeGaT Center For Human Genetics Tuebingen Variant Classification Criteria Version 2. Collection method: clinical testing. Allele origin: germline. Affected: yes. Observed: 1 variant allele.
Comment: KDM5C: PM2:Supporting, BP4, BP7

Labcorp Genetics (formerly Invitae), Labcorp
Classification: Likely benign for Spastic paraplegia. Last evaluated: 2019-12-27. Review status: criteria provided, single submitter. Criteria: Invitae Variant Classification Sherloc (09022015). Collection method: clinical testing. Allele origin: germline.